The following is an entry in ClinVar:

NM_000051.4(ATM):c.6742A>G (p.Lys2248Glu)

Genes: ATM (ATM serine/threonine kinase; plus strand), C11orf65 (chromosome 11 open reading frame 65; minus strand). Cytogenetic location: 11q22.3.
Variant type: single nucleotide variant.
Coding change: c.6742A>G on transcript NM_000051.4 (MANE Select); coding-DNA position 6742, A replaced by G.
Protein change: p.Lys2248Glu; replaces lysine 2248 with glutamic acid.
Molecular consequence: missense variant. On other transcripts: intron variant (2).
Genome position (GRCh38, 1-based): chr11:108,325,479, A>G. VCF-style: chr11-108325479-A-G. GRCh37 (hg19) VCF-style: chr11-108196206-A-G.
Other names: c.6742A>G, p.Lys2248Glu (NM_001351834.2); c.641-16408T>C (NM_001330368.2); c.*38+9741T>C (NM_001351110.2); short protein forms K2248E.
Identifiers: ClinVar variation 478969 (VCV000478969.20), dbSNP rs1555119232, ClinGen allele CA382555193.

ClinVar aggregate classification (germline): Uncertain significance. Review status: criteria provided, multiple submitters, no conflicts (2 of 4 stars). 4 submissions from 4 submitters: Uncertain significance (4). Last evaluated 2025-06-15.

Conditions:
Hereditary cancer-predisposing syndrome. Also called: Neoplastic Syndromes, Hereditary; Hereditary Cancer Syndrome; Tumor predisposition; Hereditary neoplastic syndrome. Identifiers: Orphanet 140162, MedGen C0027672, MeSH D009386, MONDO:0015356.
Familial cancer of breast. Also called: Hereditary breast cancer; BREAST CANCER, FAMILIAL; hereditary breast carcinoma. Identifiers: Orphanet 227535, MedGen C0346153, MONDO:0016419, OMIM 114480. Disease mechanism: loss of function.
Ataxia-telangiectasia syndrome (AT). Also called: LOUIS-BAR SYNDROME; Cerebello-oculocutaneous telangiectasia; Immunodeficiency with ataxia telangiectasia; Ataxia-telangiectasia, complementation group D; AT, COMPLEMENTATION GROUP C; Ataxia-telangiectasia, complementation group E. Identifiers: Orphanet 100, MedGen C0004135, MONDO:0008840, OMIM 208900.

Submissions (4):

Ambry Genetics
Classification: Uncertain significance for Hereditary cancer-predisposing syndrome. Last evaluated: 2025-06-15. Review status: criteria provided, single submitter. Criteria: Ambry Variant Classification Scheme 2023. Collection method: clinical testing. Allele origin: germline.
Comment: The p.K2248E variant (also known as c.6742A>G), located in coding exon 45 of the ATM gene, results from an A to G substitution at nucleotide position 6742. The lysine at codon 2248 is replaced by glutamic acid, an amino acid with similar properties. This amino acid position is well conserved in available vertebrate species. In addition, the in silico prediction for this alteration is inconclusive. Since supporting evidence is limited at this time, the clinical significance of this alteration remains unclear.

Labcorp Genetics (formerly Invitae), Labcorp
Classification: Uncertain significance for Ataxia-telangiectasia syndrome. Last evaluated: 2025-03-30. Review status: criteria provided, single submitter. Criteria: Invitae Variant Classification Sherloc (09022015). Collection method: clinical testing. Allele origin: germline.
Comment: This sequence change replaces lysine, which is basic and polar, with glutamic acid, which is acidic and polar, at codon 2248 of the ATM protein (p.Lys2248Glu). This variant is not present in population databases (gnomAD no frequency). This variant has not been reported in the literature in individuals affected with ATM-related conditions. ClinVar contains an entry for this variant (Variation ID: 478969). Invitae Evidence Modeling of protein sequence and biophysical properties (such as structural, functional, and spatial information, amino acid conservation, physicochemical variation, residue mobility, and thermodynamic stability) indicates that this missense variant is not expected to disrupt ATM protein function with a negative predictive value of 95%. In summary, the available evidence is currently insufficient to determine the role of this variant in disease. Therefore, it has been classified as a Variant of Uncertain Significance.

Color Diagnostics, LLC DBA Color Health
Classification: Uncertain significance for Hereditary cancer-predisposing syndrome. Last evaluated: 2023-12-05. Review status: criteria provided, single submitter. Criteria: ACMG Guidelines, 2015. Collection method: clinical testing. Allele origin: germline.
Comment: This missense variant replaces lysine with glutamic acid at codon 2248 of the ATM protein. Computational prediction suggests that this variant may not impact protein structure and function (internally defined REVEL score threshold <= 0.5, PMID: 27666373). To our knowledge, functional studies have not been reported for this variant. This variant has not been reported in individuals affected with ATM-related disorders in the literature. This variant has not been identified in the general population by the Genome Aggregation Database (gnomAD). The available evidence is insufficient to determine the role of this variant in disease conclusively. Therefore, this variant is classified as a Variant of Uncertain Significance.

Baylor Genetics
Classification: Uncertain significance for Familial cancer of breast. Last evaluated: 2023-09-15. Review status: criteria provided, single submitter. Criteria: ACMG Guidelines, 2015. Collection method: clinical testing. Allele origin: unknown.